The following is an entry in ClinVar:

NM_033380.3(COL4A5):c.2233C>G (p.Pro745Ala)

Gene: COL4A5 (collagen type IV alpha 5 chain; plus strand). Cytogenetic location: Xq22.3.
Variant type: single nucleotide variant.
Coding change: c.2233C>G on transcript NM_033380.3 (MANE Select); coding-DNA position 2233, C replaced by G.
Protein change: p.Pro745Ala; replaces proline 745 with alanine.
Molecular consequence: missense variant.
Genome position (GRCh38, 1-based): chrX:108,603,050, C>G. VCF-style: chrX-108603050-C-G. GRCh37 (hg19) VCF-style: chrX-107846280-C-G.
Other names: c.2233C>G (NM_033380.1); c.2233C>G, p.Pro745Ala (NM_000495.5); short protein forms P745A.
Identifiers: ClinVar variation 2389058 (VCV002389058.4), dbSNP rs768755046, ClinGen allele CA10488872.

ClinVar aggregate classification (germline): Uncertain significance. Review status: criteria provided, multiple submitters, no conflicts (2 of 4 stars). 3 submissions from 3 submitters: Uncertain significance (3). Last evaluated 2026-01-22.

Conditions:
Inborn genetic diseases. Identifiers: MedGen C0950123, MeSH D030342.

Allele frequency attached by ClinVar (database versions not stated): gnomAD exomes below 0.00001; TOPMed 0.00002; ExAC 0.00004.
gnomAD v4.1: 2 of 1,169,175 alleles (0.00017%); highest among the groups gnomAD compares: Admixed American, 0.0045%; no homozygotes.

Submissions (3):

Labcorp Genetics (formerly Invitae), Labcorp
Classification: Uncertain significance. Last evaluated: 2026-01-22. Review status: criteria provided, single submitter. Criteria: Invitae Variant Classification Sherloc (09022015). Collection method: clinical testing. Allele origin: germline.
Comment: This sequence change replaces proline, which is neutral and non-polar, with alanine, which is neutral and non-polar, at codon 745 of the COL4A5 protein (p.Pro745Ala). This variant is present in population databases (rs768755046, gnomAD 0.008%). This variant has not been reported in the literature in individuals affected with COL4A5-related conditions. ClinVar contains an entry for this variant (Variation ID: 2389058). Invitae Evidence Modeling of protein sequence and biophysical properties (such as structural, functional, and spatial information, amino acid conservation, physicochemical variation, residue mobility, and thermodynamic stability) indicates that this missense variant is not expected to disrupt COL4A5 protein function with a negative predictive value of 95%. In summary, the available evidence is currently insufficient to determine the role of this variant in disease. Therefore, it has been classified as a Variant of Uncertain Significance.

GeneDx
Classification: Uncertain significance. Last evaluated: 2024-01-02. Review status: criteria provided, single submitter. Criteria: GeneDx Variant Classification Process June 2021. Collection method: clinical testing. Allele origin: germline. Affected: yes.
Comment: In silico analysis supports that this missense variant has a deleterious effect on protein structure/function; Has not been previously published as pathogenic or benign to our knowledge; Occurs in the triple helical domain at the Y position in the canonical Gly-X-Y repeat; although this variant may have an effect on normal protein folding and function, missense substitution at the Y position is not a common mechanism of disease

Ambry Genetics
Classification: Uncertain significance for Inborn genetic diseases. Last evaluated: 2021-06-18. Review status: criteria provided, single submitter. Criteria: Ambry Variant Classification Scheme 2023. Collection method: clinical testing. Allele origin: germline.